The following is an entry in ClinVar:

NM_024876.4(COQ8B):c.1125T>G (p.Tyr375Ter)

Gene: COQ8B (coenzyme Q8B; minus strand). Cytogenetic location: 19q13.2.
Variant type: single nucleotide variant.
Coding change: c.1125T>G on transcript NM_024876.4 (MANE Select); coding-DNA position 1125, T replaced by G.
Protein change: p.Tyr375Ter; replaces tyrosine 375 with a stop codon.
Molecular consequence: nonsense.
Genome position (GRCh38, 1-based): chr19:40,700,085, A>C on the plus strand (T>G on the coding strand, the complement: COQ8B is on the minus strand). VCF-style: chr19-40700085-A-C. GRCh37 (hg19) VCF-style: chr19-41205990-A-C.
Other names: c.1002T>G, p.Tyr334Ter (NM_001142555.3); short protein forms Y334*, Y375*.
Identifiers: ClinVar variation 3713511 (VCV003713511.2).

ClinVar aggregate classification (germline): Pathogenic (1 of 4 stars; one submission).

gnomAD v4.1: 4 of 1,614,128 alleles (0.00025%); highest among the groups gnomAD compares: Admixed American, 0.005%; no homozygotes.

Submission:

Labcorp Genetics (formerly Invitae), Labcorp
Classification: Pathogenic. Last evaluated: 2024-10-23. Review status: criteria provided, single submitter. Criteria: Invitae Variant Classification Sherloc (09022015). Collection method: clinical testing. Allele origin: germline.
Comment: This sequence change creates a premature translational stop signal (p.Tyr375*) in the COQ8B gene. It is expected to result in an absent or disrupted protein product. Loss-of-function variants in COQ8B are known to be pathogenic (PMID: 24270420). This variant is not present in population databases (gnomAD no frequency). This variant has not been reported in the literature in individuals affected with COQ8B-related conditions. For these reasons, this variant has been classified as Pathogenic.

Literature cited by the submitters: PubMed 24270420.